The following is an entry in ClinVar:

ClinVar aggregate classification (germline): Pathogenic (1 of 4 stars; one submission).

Conditions:
Fructose-biphosphatase deficiency (FBP1D). Also called: Fructose 1,6 Bisphosphatase Deficiency; Fructose-1,6-Bisphosphatase 1 Deficiency; Fructose-1,6-Diphosphatase Deficiency. Identifiers: Orphanet 348, MedGen C0016756, MONDO:0009251, OMIM 229700.

Submission:

Labcorp Genetics (formerly Invitae), Labcorp
Classification: Pathogenic for Fructose-biphosphatase deficiency. Last evaluated: 2023-01-19. Review status: criteria provided, single submitter. Criteria: Invitae Variant Classification Sherloc (09022015). Collection method: clinical testing. Allele origin: germline.
Comment: This sequence change creates a premature translational stop signal (p.Met289Argfs*46) in the FBP1 gene. While this is not anticipated to result in nonsense mediated decay, it is expected to disrupt the last 50 amino acid(s) of the FBP1 protein. For these reasons, this variant has been classified as Pathogenic. This variant disrupts a region of the FBP1 protein in which other variant(s) (p.Ser321Valfs*13) have been determined to be pathogenic (PMID: 28420223, 28776561). This suggests that this is a clinically significant region of the protein, and that variants that disrupt it are likely to be disease-causing. This variant has not been reported in the literature in individuals affected with FBP1-related conditions. This variant is not present in population databases (gnomAD no frequency).

Literature cited by the submitters: PubMed 28420223; PubMed 28776561.

NM_000507.4(FBP1):c.860_863dup (p.Met289fs)

Gene: FBP1 (fructose-bisphosphatase 1; minus strand). Cytogenetic location: 9q22.32.
Variant type: Duplication.
Coding change: c.860_863dup on transcript NM_000507.4 (MANE Select); coding-DNA positions 860 to 863, 4 bases duplicated (ACGT; older notation c.860_863dupACGT).
Protein change: p.Met289fs; shifts the reading frame from methionine 289.
Molecular consequence: frameshift variant.
Genome position (GRCh38, 1-based): chr9:94,603,535-94,603,538, ACGT duplicated on the plus strand (ACGT on the coding strand, the reverse complement: FBP1 is on the minus strand); duplicating any 4 consecutive bases within chr9:94,603,535-94,603,539 gives the same sequence; the c. name uses the placement nearest the transcript's 3' end. VCF-style (leftmost placement, unchanged base first): chr9-94603534-G-GACGT. GRCh37 (hg19) VCF-style: chr9-97365816-G-GACGT.
Other names: c.860_863dup, p.Met289fs (NM_001127628.2); short protein forms M289fs.
Identifiers: ClinVar variation 2828070 (VCV002828070.3), dbSNP rs2538927481, ClinGen allele CA2739269401.